The following is an entry in ClinVar:

NM_000256.3(MYBPC3):c.1762A>G (p.Ser588Gly)

Gene: MYBPC3 (myosin binding protein C3; minus strand). Cytogenetic location: 11p11.2.
Variant type: single nucleotide variant.
Coding change: c.1762A>G on transcript NM_000256.3 (MANE Select); coding-DNA position 1762, A replaced by G.
Protein change: p.Ser588Gly; replaces serine 588 with glycine.
Molecular consequence: missense variant.
Genome position (GRCh38, 1-based): chr11:47,342,019, T>C on the plus strand (A>G on the coding strand, the complement: MYBPC3 is on the minus strand). VCF-style: chr11-47342019-T-C. GRCh37 (hg19) VCF-style: chr11-47363570-T-C.
Other names: short protein forms S588G.
Identifiers: ClinVar variation 2090037 (VCV002090037.4), dbSNP rs2495761164, ClinGen allele CA380324208.
Genomic context (GRCh38, chr11:47,342,019, plus strand): 5'-ACCTGTCCCATCCACCTGCCCTGCACACTCACCGCCCGATGTGGGACACCTTTATGCGGC[T>C]GTCGGGCACCAGCTCCTTCCCATTCTTCAGCCACACACCCCGAACATTCTCATCTGAGAC-3'
Protein context (NP_000247.2, residues 578-598): LKNGKELVPD[Ser588Gly]RIKVSHIGRV

ClinVar aggregate classification (germline): Uncertain significance (1 of 4 stars; one submission).

Conditions:
Hypertrophic cardiomyopathy. Also called: HYPERTROPHIC MYOCARDIOPATHY. Identifiers: Orphanet 217569, MedGen C0007194, MeSH D002312, MONDO:0005045, HP:0001639.

Submission:

Labcorp Genetics (formerly Invitae), Labcorp
Classification: Uncertain significance for Hypertrophic cardiomyopathy. Last evaluated: 2022-01-26. Review status: criteria provided, single submitter. Criteria: Invitae Variant Classification Sherloc (09022015). Collection method: clinical testing. Allele origin: germline.
Comment: This sequence change replaces serine, which is neutral and polar, with glycine, which is neutral and non-polar, at codon 588 of the MYBPC3 protein (p.Ser588Gly). This variant is not present in population databases (gnomAD no frequency). This variant has not been reported in the literature in individuals affected with MYBPC3-related conditions. Algorithms developed to predict the effect of missense changes on protein structure and function (SIFT, PolyPhen-2, Align-GVGD) all suggest that this variant is likely to be tolerated. In summary, the available evidence is currently insufficient to determine the role of this variant in disease. Therefore, it has been classified as a Variant of Uncertain Significance.